The following is an entry in ClinVar:

NM_006231.4(POLE):c.4198T>C (p.Tyr1400His)

Gene: POLE (DNA polymerase epsilon, catalytic subunit; minus strand). Cytogenetic location: 12q24.33.
Variant type: single nucleotide variant.
Coding change: c.4198T>C on transcript NM_006231.4 (MANE Select); coding-DNA position 4198, T replaced by C.
Protein change: p.Tyr1400His; replaces tyrosine 1400 with histidine.
Molecular consequence: missense variant.
Genome position (GRCh38, 1-based): chr12:132,643,929, A>G on the plus strand (T>C on the coding strand, the complement: POLE is on the minus strand). VCF-style: chr12-132643929-A-G. GRCh37 (hg19) VCF-style: chr12-133220515-A-G.
Other names: c.4198T>C (NM_006231.2); short protein forms Y1400H.
Identifiers: ClinVar variation 405738 (VCV000405738.18), dbSNP rs761011442, ClinGen allele CA6892946.
Genomic context (GRCh38, chr12:132,643,929, plus strand): 5'-CTGACAGCTCAGCGTTGATCTCGTTGATGTGTTCCTGGTACATGTCCTCTGGCACTGAAT[A>G]CTCATAGAGATTGTAGACCATGTTGGAGCGAGGAAGGACCCGATTTACCTGGCGAGAATA-3'
Protein context (NP_006222.2, residues 1390-1410): RSNMVYNLYE[Tyr1400His]SVPEDMYQEH

ClinVar aggregate classification (germline): Uncertain significance. Review status: criteria provided, multiple submitters, no conflicts (2 of 4 stars). 5 submissions from 5 submitters: Uncertain significance (4). 1 of the submissions does not count toward it. Last evaluated 2025-10-05.

Conditions:
POLE-related disorder. Also called: POLE-related disorders; POLE-related condition.
Hereditary cancer-predisposing syndrome. Also called: Hereditary Cancer Syndrome; Hereditary neoplastic syndrome; Neoplastic Syndromes, Hereditary; Tumor predisposition. Identifiers: Orphanet 140162, MedGen C0027672, MeSH D009386, MONDO:0015356.

Allele frequency attached by ClinVar (database versions not stated): gnomAD exomes below 0.00001 and 0.00001; ExAC 0.00001; gnomAD 0.00001; TOPMed 0.00001.
gnomAD v4.1: 6 of 1,613,810 alleles (0.00037%); highest among the groups gnomAD compares: Non-Finnish European, 0.00051%; no homozygotes.

Submissions (5):

Labcorp Genetics (formerly Invitae), Labcorp
Classification: Uncertain significance. Last evaluated: 2025-10-05. Review status: criteria provided, single submitter. Criteria: Invitae Variant Classification Sherloc (09022015). Collection method: clinical testing. Allele origin: germline.
Comment: This sequence change replaces tyrosine, which is neutral and polar, with histidine, which is basic and polar, at codon 1400 of the POLE protein (p.Tyr1400His). This variant is present in population databases (rs761011442, gnomAD 0.002%). This missense change has been observed in individual(s) with melanoma (PMID: 34326862). ClinVar contains an entry for this variant (Variation ID: 405738). Invitae Evidence Modeling of protein sequence and biophysical properties (such as structural, functional, and spatial information, amino acid conservation, physicochemical variation, residue mobility, and thermodynamic stability) has been performed for this missense variant. However, the output from this modeling did not meet the statistical confidence thresholds required to predict the impact of this variant on POLE protein function. In summary, the available evidence is currently insufficient to determine the role of this variant in disease. Therefore, it has been classified as a Variant of Uncertain Significance.

Center for Genomic Medicine, Rigshospitalet, Copenhagen University Hospital
Classification: Uncertain significance. Last evaluated: 2025-03-04. Review status: criteria provided, single submitter. Criteria: ACMG Guidelines, 2015. Collection method: clinical testing. Allele origin: germline.

Ambry Genetics
Classification: Uncertain significance for Hereditary cancer-predisposing syndrome. Last evaluated: 2024-12-23. Review status: criteria provided, single submitter. Criteria: Ambry Variant Classification Scheme 2023. Collection method: clinical testing. Allele origin: germline.
Comment: The p.Y1400H variant (also known as c.4198T>C), located in coding exon 33 of the POLE gene, results from a T to C substitution at nucleotide position 4198. The tyrosine at codon 1400 is replaced by histidine, an amino acid with similar properties. This amino acid position is highly conserved in available vertebrate species. In addition, the in silico prediction for this alteration is inconclusive. Based on the available evidence, the clinical significance of this variant remains unclear.

GeneDx
Classification: Uncertain significance. Last evaluated: 2023-10-24. Review status: criteria provided, single submitter. Criteria: GeneDx Variant Classification Process June 2021. Collection method: clinical testing. Allele origin: germline. Affected: yes.
Comment: Not observed at significant frequency in large population cohorts (gnomAD); In silico analysis, which includes protein predictors and evolutionary conservation, supports a deleterious effect; Observed in a patient undergoing multi-gene panel testing for personal and family history of cancer (PMID: 34326862); This variant is associated with the following publications: (PMID: 34326862)

PreventionGenetics, part of Exact Sciences
Classification: Uncertain significance for POLE-related condition. Last evaluated: 2024-07-19. Review status: no assertion criteria provided. Collection method: clinical testing. Allele origin: germline. Not counted in ClinVar's aggregate classification.
Comment: The POLE c.4198T>C variant is predicted to result in the amino acid substitution p.Tyr1400His. This variant was reported in an individual with familial cancer syndrome (Bhai et al 2021. PubMed ID: 34326862, Table S4). This variant is reported in 0.0018% of alleles in individuals of European (Non-Finnish) descent in gnomAD. At this time, the clinical significance of this variant is uncertain due to the absence of conclusive functional and genetic evidence.

Literature cited by the submitters: PubMed 34326862 (cited by Labcorp Genetics (formerly Invitae), Labcorp).